The following is an entry in ClinVar:

NM_172107.4(KCNQ2):c.1050C>A (p.Asn350Lys)

Gene: KCNQ2 (potassium voltage-gated channel subfamily Q member 2; minus strand). Cytogenetic location: 20q13.33.
Variant type: single nucleotide variant.
Coding change: c.1050C>A on transcript NM_172107.4 (MANE Select); coding-DNA position 1050, C replaced by A.
Protein change: p.Asn350Lys; replaces asparagine 350 with lysine.
Molecular consequence: missense variant.
Genome position (GRCh38, 1-based): chr20:63,433,877, G>T on the plus strand (C>A on the coding strand, the complement: KCNQ2 is on the minus strand). VCF-style: chr20-63433877-G-T. GRCh37 (hg19) VCF-style: chr20-62065230-G-T.
Other names: c.1050C>A, p.Asn350Lys (NM_004518.6, NM_172106.3, NM_172108.5 and 1 more transcripts); short protein forms N350K.
Identifiers: ClinVar variation 803621 (VCV000803621.2), dbSNP rs1371059392, ClinGen allele CA409651213.

ClinVar aggregate classification (germline): Likely pathogenic. Review status: criteria provided, multiple submitters, no conflicts (2 of 4 stars). 2 submissions from 2 submitters: Likely pathogenic (2). Last evaluated 2026-01-21.

Conditions:
Early-infantile DEE. Also called: Early infantile epileptic encephalopathy with suppression bursts; Ohtahara syndrome; Early infantile epileptic encephalopathy. Identifiers: Orphanet 1934, MedGen C0393706, MONDO:0800491.
Seizures, benign familial neonatal, 1. Also called: Benign Neonatal Epilepsy 1; Seizures, benign neonatal, 1; KCNQ2-Related Benign Familial Neonatal Epilepsy; KCNQ2-Related Self-Limited Familial Neonatal Epilepsy (SLFNE). Identifiers: Orphanet 1949, MedGen C3149074, MONDO:0007365, OMIM 121200.

Submissions (2):

Labcorp Genetics (formerly Invitae), Labcorp
Classification: Likely pathogenic for Early-infantile DEE. Last evaluated: 2026-01-21. Review status: criteria provided, single submitter. Criteria: Invitae Variant Classification Sherloc (09022015). Collection method: clinical testing. Allele origin: germline.
Comment: This sequence change replaces asparagine, which is neutral and polar, with lysine, which is basic and polar, at codon 350 of the KCNQ2 protein (p.Asn350Lys). This variant is not present in population databases (gnomAD no frequency). This variant has not been reported in the literature in individuals affected with KCNQ2-related conditions. ClinVar contains an entry for this variant (Variation ID: 803621). Invitae Evidence Modeling of protein sequence and biophysical properties (such as structural, functional, and spatial information, amino acid conservation, physicochemical variation, residue mobility, and thermodynamic stability) indicates that this missense variant is expected to disrupt KCNQ2 protein function with a positive predictive value of 95%. This variant disrupts the p.Asn350 amino acid residue in KCNQ2. Other variant(s) that disrupt this residue have been determined to be pathogenic (PMID: 29215089, 30945278, 32712949). This suggests that this residue is clinically significant, and that variants that disrupt this residue are likely to be disease-causing. In summary, the currently available evidence indicates that the variant is pathogenic, but additional data are needed to prove that conclusively. Therefore, this variant has been classified as Likely Pathogenic.

Mendelics
Classification: Likely pathogenic for Seizures, benign familial neonatal, 1. Last evaluated: 2019-05-28. Review status: criteria provided, single submitter. Criteria: Mendelics Assertion Criteria 2017. Collection method: clinical testing. Allele origin: unknown.

Literature cited by the submitters: PubMed 29215089 (cited by Labcorp Genetics (formerly Invitae), Labcorp); PubMed 30945278 (cited by Labcorp Genetics (formerly Invitae), Labcorp); PubMed 32712949 (cited by Labcorp Genetics (formerly Invitae), Labcorp).